The following is an entry in ClinVar:

ClinVar aggregate classification (germline): Uncertain significance. Review status: criteria provided, multiple submitters, no conflicts (2 of 4 stars). 3 submissions from 3 submitters: Uncertain significance (3). Last evaluated 2025-02-28.

Conditions:
Hereditary cancer-predisposing syndrome. Also called: Hereditary Cancer Syndrome; Neoplastic Syndromes, Hereditary; Tumor predisposition; Hereditary neoplastic syndrome. Identifiers: Orphanet 140162, MedGen C0027672, MeSH D009386, MONDO:0015356.
Peutz-Jeghers syndrome (PJS). Also called: POLYPOSIS, HAMARTOMATOUS INTESTINAL; POLYPS-AND-SPOTS SYNDROME; Peutz-Jeghers polyposis; Periorificial lentiginosis syndrome. Identifiers: Orphanet 2869, MedGen C0031269, MeSH D010580, MONDO:0008280, OMIM 175200.

Allele frequency attached by ClinVar (database versions not stated): gnomAD exomes below 0.00001.
gnomAD v4.1: 1 of 1,610,396 alleles (0.000062%); highest among the groups gnomAD compares: Non-Finnish European, 0.000085%; no homozygotes.

Submissions (3):

Ambry Genetics
Classification: Uncertain significance for Hereditary cancer-predisposing syndrome. Last evaluated: 2025-02-28. Review status: criteria provided, single submitter. Criteria: Ambry Variant Classification Scheme 2023. Collection method: clinical testing. Allele origin: germline.
Comment: The p.E342Q variant (also known as c.1024G>C), located in coding exon 8 of the STK11 gene, results from a G to C substitution at nucleotide position 1024. The glutamic acid at codon 342 is replaced by glutamine, an amino acid with highly similar properties. This nucleotide position is highly conserved in available vertebrate species. This amino acid position is highly conserved in available vertebrate species. In silico splice site analysis predicts that this alteration will result in the creation or strengthening of a novel splice acceptor site; however, direct evidence is insufficient at this time (Ambry internal data). In addition, the in silico prediction for this amino acid alteration is inconclusive. Based on the available evidence, the clinical significance of this variant remains unclear.

Genome-Nilou Lab
Classification: Uncertain significance for Peutz-Jeghers syndrome. Last evaluated: 2021-07-15. Review status: criteria provided, single submitter. Criteria: ACMG Guidelines, 2015. Collection method: clinical testing. Allele origin: germline. Affected: no.

Labcorp Genetics (formerly Invitae), Labcorp
Classification: Uncertain significance for Peutz-Jeghers syndrome. Last evaluated: 2020-04-28. Review status: criteria provided, single submitter. Criteria: Invitae Variant Classification Sherloc (09022015). Collection method: clinical testing. Allele origin: germline.
Comment: In summary, the available evidence is currently insufficient to determine the role of this variant in disease. Therefore, it has been classified as a Variant of Uncertain Significance. Algorithms developed to predict the effect of missense changes on protein structure and function are either unavailable or do not agree on the potential impact of this missense change (SIFT: "Tolerated"; PolyPhen-2: "Possibly Damaging"; Align-GVGD: "Class C0"). This sequence change replaces glutamic acid with glutamine at codon 342 of the STK11 protein (p.Glu342Gln). The glutamic acid residue is highly conserved and there is a small physicochemical difference between glutamic acid and glutamine. This variant is not present in population databases (ExAC no frequency). This variant has not been reported in the literature in individuals with STK11-related conditions. ClinVar contains an entry for this variant (Variation ID: 229720).

NM_000455.5(STK11):c.1024G>C (p.Glu342Gln)

Genes: STK11 (serine/threonine kinase 11; plus strand), LOC130062899 (ATAC-STARR-seq lymphoblastoid active region 13597; plus strand). Cytogenetic location: 19p13.3.
Variant type: single nucleotide variant.
Coding change: c.1024G>C on transcript NM_000455.5 (MANE Select); coding-DNA position 1024, G replaced by C.
Protein change: p.Glu342Gln; replaces glutamic acid 342 with glutamine.
Molecular consequence: missense variant.
Genome position (GRCh38, 1-based): chr19:1,223,088, G>C. VCF-style: chr19-1223088-G-C. GRCh37 (hg19) VCF-style: chr19-1223087-G-C.
Other names: short protein forms E342Q.
Identifiers: ClinVar variation 229720 (VCV000229720.18), dbSNP rs876658160, ClinGen allele CA10581015.